The following is an entry in ClinVar:

NM_000053.4(ATP7B):c.2255_2262dup (p.Lys755fs)

Gene: ATP7B (ATPase copper transporting beta; minus strand). Cytogenetic location: 13q14.3.
Variant type: Duplication.
Coding change: c.2255_2262dup on transcript NM_000053.4 (MANE Select); coding-DNA positions 2255 to 2262, 8 bases duplicated (TGGCTGAG; older notation c.2255_2262dupTGGCTGAG).
Protein change: p.Lys755fs; shifts the reading frame from lysine 755.
Molecular consequence: frameshift variant. On other transcripts: intron variant (20).
Genome position (GRCh38, 1-based): chr13:51,958,404-51,958,411, CTCAGCCA duplicated on the plus strand (TGGCTGAG on the coding strand, the reverse complement: ATP7B is on the minus strand); duplicating any 8 consecutive bases within chr13:51,958,404-51,958,412 gives the same sequence; the c. name uses the placement nearest the transcript's 3' end. VCF-style (leftmost placement, unchanged base first): chr13-51958403-T-TCTCAGCCA. GRCh37 (hg19) VCF-style: chr13-52532539-T-TCTCAGCCA.
Other names: c.2159_2166dup, p.Lys723fs (NM_001406518.1, NM_001406517.1); c.2255_2262dup, p.Lys755fs (NM_001406519.1, NM_001406523.1, NM_001406525.1 and 7 more transcripts); c.2003_2010dup, p.Lys671fs (NM_001406531.1, NM_001406532.1, NM_001330579.2 and 1 more transcripts); c.1708-804_1708-797dup (NM_001406547.1, NM_001406545.1); c.1870-804_1870-797dup (NM_001005918.3, NM_001406546.1, NM_001406542.1 and 1 more transcripts); c.2122-804_2122-797dup (NM_001406534.1, NM_001406538.1, NM_001330578.2 and 2 more transcripts); c.2122-11_2122-4dup (NM_001406520.1, NM_001406537.1, NM_001406521.1 and 1 more transcripts); c.1774-804_1774-797dup (NM_001406544.1); and 8 more; short protein forms K612fs, K639fs, K671fs, K723fs, K755fs, K644fs, K744fs.
Identifiers: ClinVar variation 3012232 (VCV003012232.3), dbSNP rs2547715376, ClinGen allele CA2740097673.

ClinVar aggregate classification (germline): Pathogenic (1 of 4 stars; one submission).

Conditions:
Wilson disease (WND). Also called: Wilson's disease. Identifiers: Orphanet 905, MedGen C0019202, MONDO:0010200, OMIM 277900. Disease mechanism: loss of function.

Submission:

Labcorp Genetics (formerly Invitae), Labcorp
Classification: Pathogenic for Wilson disease. Last evaluated: 2023-04-07. Review status: criteria provided, single submitter. Criteria: Invitae Variant Classification Sherloc (09022015). Collection method: clinical testing. Allele origin: germline.
Comment: This sequence change creates a premature translational stop signal (p.Lys755Trpfs*10) in the ATP7B gene. It is expected to result in an absent or disrupted protein product. Loss-of-function variants in ATP7B are known to be pathogenic (PMID: 10441329, 16283883). This variant is not present in population databases (gnomAD no frequency). For these reasons, this variant has been classified as Pathogenic. This variant has not been reported in the literature in individuals affected with ATP7B-related conditions.

Literature cited by the submitters: PubMed 10441329; PubMed 16283883.